The following is an entry in ClinVar:

NM_138927.4(SON):c.6657+285G>A

Gene: SON (SON DNA and RNA binding protein; plus strand). Cytogenetic location: 21q22.11.
Variant type: single nucleotide variant.
Coding change: c.6657+285G>A on transcript NM_138927.4 (MANE Select); 285 bases into the intron after coding-DNA position 6657, G replaced by A.
Molecular consequence: intron variant. On other transcripts: missense variant (1).
Genome position (GRCh38, 1-based): chr21:33,560,060, G>A. VCF-style: chr21-33560060-G-A. GRCh37 (hg19) VCF-style: chr21-34932366-G-A.
Other names: c.6841G>A, p.Gly2281Ser (NM_032195.3); c.741+285G>A (NM_001291412.3); short protein forms G2281S.
Identifiers: ClinVar variation 4729384 (VCV004729384.1).

ClinVar aggregate classification (germline): Uncertain significance (1 of 4 stars; one submission).

gnomAD v4.1: 3 of 1,614,050 alleles (0.00019%); highest among the groups gnomAD compares: African/African-American, 0.004%; no homozygotes.

Submission:

Labcorp Genetics (formerly Invitae), Labcorp
Classification: Uncertain significance. Last evaluated: 2025-11-06. Review status: criteria provided, single submitter. Criteria: Invitae Variant Classification Sherloc (09022015). Collection method: clinical testing. Allele origin: germline.
Comment: This sequence change replaces glycine, which is neutral and non-polar, with serine, which is neutral and polar, at codon 2281 of the SON protein (p.Gly2281Ser). This variant is not present in population databases (gnomAD no frequency). This variant has not been reported in the literature in individuals affected with SON-related conditions. Experimental studies and prediction algorithms are not available or were not evaluated, and the functional significance of this variant is currently unknown. In summary, the available evidence is currently insufficient to determine the role of this variant in disease. Therefore, it has been classified as a Variant of Uncertain Significance.